The following is an entry in ClinVar:

ClinVar aggregate classification (germline): Uncertain significance (1 of 4 stars; one submission).

Submission:

GeneDx
Classification: Uncertain significance. Last evaluated: 2025-01-29. Review status: criteria provided, single submitter. Criteria: GeneDx Variant Classification Process June 2021. Collection method: clinical testing. Allele origin: germline. Affected: yes.
Comment: Not observed at significant frequency in large population cohorts (gnomAD); In-frame deletion of 1 amino acid in a non-repeat region; In silico analysis supports a deleterious effect on protein structure/function; Has not been previously published as pathogenic or benign to our knowledge

NM_001232.4(CASQ2):c.1170TGA[1] (p.Asp392del)

Gene: CASQ2 (calsequestrin 2; minus strand). Cytogenetic location: 1p13.1.
Variant type: Microsatellite.
Coding change: c.1170TGA[1] on transcript NM_001232.4 (MANE Select); one copy of the 3-base unit TGA starting at c.1170; the reference has two copies in a row; one copy, 3 bases deleted; also written c.1173_1175del.
Protein change: p.Asp392del; deletes aspartic acid 392.
Molecular consequence: inframe indel (on NM_001232.3).
Genome position (GRCh38, 1-based): chr1:115,701,266-115,701,268, TCA deleted on the plus strand (TGA on the coding strand, the reverse complement: CASQ2 is on the minus strand); deleting any 3 consecutive bases within chr1:115,701,266-115,701,272 gives the same sequence; the position shown is the placement nearest the transcript's 3' end. VCF-style (leftmost placement, unchanged base first): chr1-115701265-GTCA-G. GRCh37 (hg19) VCF-style: chr1-116243886-GTCA-G.
Other names: c.1169_1171ATG[1], p.Asp392del (NM_001232.3); c.1173_1175del (NM_001232.3); short protein forms D392del.
Identifiers: ClinVar variation 4072555 (VCV004072555.1).